The following is an entry in ClinVar:

NM_139162.4(MIEF2):c.972G>A (p.Gly324=)

Gene: MIEF2 (mitochondrial elongation factor 2; plus strand). Cytogenetic location: 17p11.2.
Variant type: single nucleotide variant.
Coding change: c.972G>A on transcript NM_139162.4 (MANE Select); coding-DNA position 972, G replaced by A.
Protein change: p.Gly324=; no amino-acid change (glycine 324 retained).
Molecular consequence: synonymous variant. On other transcripts: 3 prime UTR variant (1).
Genome position (GRCh38, 1-based): chr17:18,264,371, G>A. VCF-style: chr17-18264371-G-A. GRCh37 (hg19) VCF-style: chr17-18167685-G-A.
Other names: c.*280G>A (NM_001144900.3); c.1005G>A, p.Gly335= (NM_148886.2).
Identifiers: ClinVar variation 3771060 (VCV003771060.13).

ClinVar aggregate classification (germline): Likely benign (1 of 4 stars; one submission).

gnomAD v4.1: 1 of 1,603,206 alleles (0.000062%); highest among the groups gnomAD compares: Non-Finnish European, 0.000085%; no homozygotes.

Submission:

CeGaT Center for Human Genetics Tuebingen
Classification: Likely benign. Last evaluated: 2025-01-01. Review status: criteria provided, single submitter. Criteria: CeGaT Center For Human Genetics Tuebingen Variant Classification Criteria Version 2. Collection method: clinical testing. Allele origin: germline. Affected: yes. Observed: 1 variant allele.
Comment: MIEF2: BP4, BP7